The following is an entry in ClinVar:

ClinVar aggregate classification (germline): Uncertain significance. Review status: criteria provided, multiple submitters, no conflicts (2 of 4 stars). 2 submissions from 2 submitters: Uncertain significance (2). Last evaluated 2024-11-25.

Conditions:
Inborn genetic diseases. Identifiers: MedGen C0950123, MeSH D030342.

Submissions (2):

Ambry Genetics
Classification: Uncertain significance for Inborn genetic diseases. Last evaluated: 2024-11-25. Review status: criteria provided, single submitter. Criteria: Ambry Variant Classification Scheme 2023. Collection method: clinical testing. Allele origin: germline.
Comment: The p.P96S variant (also known as c.286C>T), located in coding exon 1 of the KDM1A gene, results from a C to T substitution at nucleotide position 286. The proline at codon 96 is replaced by serine, an amino acid with similar properties. This amino acid position is conserved. In addition, this alteration is predicted to be tolerated by in silico analysis. Based on the available evidence, the clinical significance of this variant remains unclear.

Labcorp Genetics (formerly Invitae), Labcorp
Classification: Uncertain significance. Last evaluated: 2023-10-22. Review status: criteria provided, single submitter. Criteria: Invitae Variant Classification Sherloc (09022015). Collection method: clinical testing. Allele origin: germline.
Comment: This sequence change replaces proline, which is neutral and non-polar, with serine, which is neutral and polar, at codon 96 of the KDM1A protein (p.Pro96Ser). This variant is not present in population databases (gnomAD no frequency). This variant has not been reported in the literature in individuals affected with KDM1A-related conditions. An algorithm developed to predict the effect of missense changes on protein structure and function (PolyPhen-2) suggests that this variant is likely to be disruptive. In summary, the available evidence is currently insufficient to determine the role of this variant in disease. Therefore, it has been classified as a Variant of Uncertain Significance.

NM_001009999.3(KDM1A):c.286C>T (p.Pro96Ser)

Gene: KDM1A (lysine demethylase 1A; plus strand). Cytogenetic location: 1p36.12.
Variant type: single nucleotide variant.
Coding change: c.286C>T on transcript NM_001009999.3 (MANE Select); coding-DNA position 286, C replaced by T.
Protein change: p.Pro96Ser; replaces proline 96 with serine.
Molecular consequence: missense variant.
Genome position (GRCh38, 1-based): chr1:23,019,882, C>T. VCF-style: chr1-23019882-C-T. GRCh37 (hg19) VCF-style: chr1-23346375-C-T.
Other names: c.286C>T (NM_001009999.2); c.286C>T, p.Pro96Ser (NM_001363654.2, NM_001410762.1, NM_001410763.1 and 1 more transcripts); short protein forms P96S.
Identifiers: ClinVar variation 2786540 (VCV002786540.4), dbSNP rs750270450, ClinGen allele CA338952239.